The following is an entry in ClinVar:

NM_017654.4(SAMD9):c.2192A>G (p.Lys731Arg)

Gene: SAMD9 (sterile alpha motif domain containing 9; minus strand). Cytogenetic location: 7q21.2.
Variant type: single nucleotide variant.
Coding change: c.2192A>G on transcript NM_017654.4 (MANE Select); coding-DNA position 2192, A replaced by G.
Protein change: p.Lys731Arg; replaces lysine 731 with arginine.
Molecular consequence: missense variant.
Genome position (GRCh38, 1-based): chr7:93,103,906, T>C on the plus strand (A>G on the coding strand, the complement: SAMD9 is on the minus strand). VCF-style: chr7-93103906-T-C. GRCh37 (hg19) VCF-style: chr7-92733219-T-C.
Other names: c.2192A>G, p.Lys731Arg (NM_001193307.2); short protein forms K731R.
Identifiers: ClinVar variation 4629872 (VCV004629872.1).

ClinVar aggregate classification (germline): Uncertain significance (1 of 4 stars; one submission).

Conditions:
Inborn genetic diseases. Identifiers: MedGen C0950123, MeSH D030342.

Submission:

Ambry Genetics
Classification: Uncertain significance for Inborn genetic diseases. Last evaluated: 2025-10-15. Review status: criteria provided, single submitter. Criteria: Ambry Variant Classification Scheme 2023. Collection method: clinical testing. Allele origin: germline.
Comment: The p.K731R variant (also known as c.2192A>G), located in coding exon 1 of the SAMD9 gene, results from an A to G substitution at nucleotide position 2192. The lysine at codon 731 is replaced by arginine, an amino acid with highly similar properties. This amino acid position is conserved. In addition, this alteration is predicted to be tolerated by in silico analysis. Based on the available evidence, the clinical significance of this variant remains unclear.